The following is an entry in ClinVar:

ClinVar aggregate classification (germline): Uncertain significance. Review status: criteria provided, multiple submitters, no conflicts (2 of 4 stars). 2 submissions from 2 submitters: Uncertain significance (2). Last evaluated 2025-10-10.

Conditions:
Early-infantile DEE. Also called: Early infantile epileptic encephalopathy with suppression bursts; Early infantile epileptic encephalopathy; Ohtahara syndrome. Identifiers: Orphanet 1934, MedGen C0393706, MONDO:0800491.

Allele frequency attached by ClinVar (database versions not stated): ESP Exome Variant Server 0.00015; gnomAD 0.00015 and 0.00016; TOPMed 0.00020.
gnomAD v4.1: 405 of 1,613,358 alleles (0.025%); highest among the groups gnomAD compares: Non-Finnish European, 0.033%; no homozygotes.

Submissions (3):

Labcorp Genetics (formerly Invitae), Labcorp
Classification: Uncertain significance for Early-infantile DEE. Last evaluated: 2025-10-10. Review status: criteria provided, single submitter. Criteria: Invitae Variant Classification Sherloc (09022015). Collection method: clinical testing. Allele origin: germline.
Comment: This sequence change falls in intron 6 of the ST3GAL3 gene. It does not directly change the encoded amino acid sequence of the ST3GAL3 protein. It affects a nucleotide within the consensus splice site. This variant is present in population databases (rs370838456, gnomAD 0.03%). This variant has not been reported in the literature in individuals affected with ST3GAL3-related conditions. ClinVar contains an entry for this variant (Variation ID: 436879). Variants that disrupt the consensus splice site are a relatively common cause of aberrant splicing (PMID: 17576681, 9536098). Algorithms developed to predict the effect of sequence changes on RNA splicing suggest that this variant is not likely to affect RNA splicing. In summary, the available evidence is currently insufficient to determine the role of this variant in disease. Therefore, it has been classified as a Variant of Uncertain Significance.

Genetic Services Laboratory, University of Chicago
Classification: Uncertain significance. Last evaluated: 2016-03-04. Review status: criteria provided, single submitter. Criteria: ACMG Guidelines, 2015. Collection method: clinical testing. Allele origin: germline. Affected: no.

Dr. Peter K. Rogan Lab, Western University
No classification provided (evidence only). Condition: Lymphoma. Review status: no classification provided. Collection method: in vitro. Allele origin: not applicable. Functional consequence: skipped exon. Not counted in ClinVar's aggregate classification.

Literature cited by the submitters: PubMed 17576681 (cited by Labcorp Genetics (formerly Invitae), Labcorp); PubMed 9536098 (cited by Labcorp Genetics (formerly Invitae), Labcorp).

NM_006279.5(ST3GAL3):c.397+6T>G

Gene: ST3GAL3 (ST3 beta-galactoside alpha-2,3-sialyltransferase 3; plus strand). Cytogenetic location: 1p34.1.
Variant type: single nucleotide variant.
Coding change: c.397+6T>G on transcript NM_006279.5 (MANE Select); 6 bases into the intron after coding-DNA position 397, T replaced by G.
Molecular consequence: intron variant.
Genome position (GRCh38, 1-based): chr1:43,894,483, T>G. VCF-style: chr1-43894483-T-G. GRCh37 (hg19) VCF-style: chr1-44360155-T-G.
Other names: c.604+6T>G (NM_174963.5); c.442+6T>G (NM_001350619.2, NM_174964.4, NM_174965.4); c.394+6T>G (NM_001270465.3, NM_001270463.3); c.559+6T>G (NM_174968.5, NM_001363573.2); c.118+6T>G (NM_001350621.2); c.397+6T>G (NM_001350620.2, NM_001270459.2, NM_174966.4 and 1 more transcripts); c.304+6T>G (NM_001270460.2); c.511+6T>G (NM_174971.5); and 3 more.
Identifiers: ClinVar variation 436879 (VCV000436879.13), dbSNP rs370838456, ClinGen allele CA814667.